The following is an entry in ClinVar:

ClinVar aggregate classification (germline): Likely pathogenic (1 of 4 stars; one submission).

Conditions:
Cardiovascular phenotype. Identifiers: MedGen CN230736.

Submission:

Ambry Genetics
Classification: Likely pathogenic for Cardiovascular phenotype. Last evaluated: 2026-04-01. Review status: criteria provided, single submitter. Criteria: Ambry Variant Classification Scheme 2023. Collection method: clinical testing. Allele origin: germline.
Comment: The c.39561delC variant, located in coding exon 143 of the TTN gene, results from a deletion of one nucleotide at nucleotide position 39561, causing a translational frameshift with a predicted alternate stop codon (p.K13188Rfs*4). This exon is located in the A-band region of the N2-B isoform of the titin protein and is constitutively expressed in TTN transcripts (percent spliced in or PSI 100%). This variant is considered to be rare based on population cohorts in the Genome Aggregation Database (gnomAD). This variant is expected to result in loss of function by premature protein truncation or nonsense-mediated mRNA decay. While truncating variants in TTN are present in 1-3% of the general population, truncating variants in the A-band are the most common cause of dilated cardiomyopathy (Herman DS et al. N. Engl. J. Med., 2012 Feb;366:619-28; Roberts AM et al. Sci Transl Med, 2015 Jan;7:270ra6). TTN truncating variants encoded in constitutive exons (PSI >90%) have been found to be significantly associated with DCM regardless of their position in titin (Schafer S et al. Nat. Genet., 2017 01;49:46-53; Akhtar MM et al. Circ Heart Fail, 2020 Oct;13:e006832; Massier M et al. Clin Genet, 2025 Jan). Based on the majority of available evidence to date, this variant is likely to be pathogenic.

NM_001267550.2(TTN):c.66756del (p.Lys22253fs)

Genes: TTN (titin; minus strand), TTN-AS1 (TTN antisense RNA 1; plus strand). Cytogenetic location: 2q31.2.
Variant type: Deletion.
Coding change: c.66756del on transcript NM_001267550.2 (MANE Select); coding-DNA position 66756, one base deleted (C; older notation c.66756delC).
Protein change: p.Lys22253fs; shifts the reading frame from lysine 22253.
Molecular consequence: frameshift variant.
Genome position (GRCh38, 1-based): chr2:178,581,512, G deleted on the plus strand (C on the coding strand, the reverse complement: TTN is on the minus strand); the first of 3 consecutive G bases (chr2:178,581,512-178,581,514); deleting any one gives the same sequence. VCF-style (leftmost placement, unchanged base first): chr2-178581511-TG-T. GRCh37 (hg19) VCF-style: chr2-179446238-TG-T.
Other names: c.39561del, p.Lys13188fs (NM_003319.4); c.59052del, p.Lys19685fs (NM_133378.4); c.39936del, p.Lys13313fs (NM_133432.3); c.40137del, p.Lys13380fs (NM_133437.4); c.61833del, p.Lys20612fs (NM_001256850.1); c.39561delC (NM_003319.4); short protein forms K13188fs, K13313fs, K13380fs, K19685fs, K20612fs, K22253fs.
Identifiers: ClinVar variation 4866179 (VCV004866179.1).